The following is an entry in ClinVar:

NM_001267550.2(TTN):c.9114C>G (p.Tyr3038Ter)

Gene: TTN (titin; minus strand). Cytogenetic location: 2q31.2.
Variant type: single nucleotide variant.
Coding change: c.9114C>G on transcript NM_001267550.2 (MANE Select); coding-DNA position 9114, C replaced by G.
Protein change: p.Tyr3038Ter; replaces tyrosine 3038 with a stop codon.
Molecular consequence: nonsense.
Genome position (GRCh38, 1-based): chr2:178,768,722, G>C on the plus strand (C>G on the coding strand, the complement: TTN is on the minus strand). VCF-style: chr2-178768722-G-C. GRCh37 (hg19) VCF-style: chr2-179633449-G-C.
Other names: c.9114C>G, p.Tyr3038Ter (NM_001256850.1, NM_133378.4, NM_133379.5); c.8976C>G, p.Tyr2992Ter (NM_003319.4, NM_133432.3, NM_133437.4); short protein forms Y3038*, Y2992*.
Identifiers: ClinVar variation 4785892 (VCV004785892.1).

ClinVar aggregate classification (germline): Likely pathogenic (1 of 4 stars; one submission).

Conditions:
Autosomal recessive limb-girdle muscular dystrophy type 2J (LGMDR10). Also called: Limb-girdle muscular dystrophy, type 2J; MUSCULAR DYSTROPHY, LIMB-GIRDLE, AUTOSOMAL RECESSIVE 10. Identifiers: Orphanet 140922, MedGen C1837342, MONDO:0012127, OMIM 608807.
Dilated cardiomyopathy 1G (CMD1G). Identifiers: Orphanet 154, MedGen C1858763, MONDO:0011400, OMIM 604145.

Submission:

Labcorp Genetics (formerly Invitae), Labcorp
Classification: Likely pathogenic for Dilated cardiomyopathy 1G; Autosomal recessive limb-girdle muscular dystrophy type 2J. Last evaluated: 2026-01-27. Review status: criteria provided, single submitter. Criteria: Invitae Variant Classification Sherloc (09022015). Collection method: clinical testing. Allele origin: germline.
Comment: This sequence change creates a premature translational stop signal (p.Tyr3038*) in the TTN gene. While this is not anticipated to result in nonsense mediated decay, it is expected to create a truncated TTN protein. This variant is not present in population databases (gnomAD no frequency). This variant has not been observed in the literature in individuals with autosomal recessive TTN-related conditions. This variant has been reported in individual(s) with autosomal dominant dilated cardiomyopathy (internal data); however, the role of the variant in this condition is currently unclear. This variant is located in the I band of TTN (PMID: 25589632). Truncating variants in this region have been reported in individuals affected with autosomal recessive centronuclear myopathy (PMID: 23975875, internal data). Truncating variants in this region have also been identified in individuals affected with autosomal dominant dilated cardiomyopathy and/or cardio-related conditions (PMID: 27869827, 32964742, internal data). In summary, the currently available evidence indicates that the variant is pathogenic, but additional data are needed to prove that conclusively. Therefore, this variant has been classified as Likely Pathogenic.

Literature cited by the submitters: PubMed 25589632; PubMed 23975875; PubMed 27869827; PubMed 32964742.